The following is an entry in ClinVar:

NM_001385012.1(NBEA):c.2614A>G (p.Met872Val)

Gene: NBEA (neurobeachin; plus strand). Cytogenetic location: 13q13.3.
Variant type: single nucleotide variant.
Coding change: c.2614A>G on transcript NM_001385012.1 (MANE Select); coding-DNA position 2614, A replaced by G.
Protein change: p.Met872Val; replaces methionine 872 with valine.
Molecular consequence: missense variant.
Genome position (GRCh38, 1-based): chr13:35,156,169, A>G. VCF-style: chr13-35156169-A-G. GRCh37 (hg19) VCF-style: chr13-35730306-A-G.
Other names: c.2614A>G, p.Met872Val (NM_001379245.1, NM_015678.5); short protein forms M872V.
Identifiers: ClinVar variation 2582013 (VCV002582013.1), dbSNP rs2069156312, ClinGen allele CA387835243.
Genomic context (GRCh38, chr13:35,156,169, plus strand): 5'-TTAAAAAACTCTACACCAAGTGCAGAGCTGATGGAAGTTCGTCGTTTATTTTTATCTGAT[A>G]TGATAAAACTTTTCAGTAACAGCCGTGAAAATAGAAGGTAAGCAGTTTGGATACTGTAAC-3'
Protein context (NP_001371941.1, residues 862-882): MEVRRLFLSD[Met872Val]IKLFSNSREN

ClinVar aggregate classification (germline): Uncertain significance (1 of 4 stars; one submission).

Allele frequency attached by ClinVar (database versions not stated): TOPMed below 0.00001.

Submission:

GeneDx
Classification: Uncertain significance. Last evaluated: 2023-03-27. Review status: criteria provided, single submitter. Criteria: GeneDx Variant Classification Process June 2021. Collection method: clinical testing. Allele origin: germline. Affected: yes.
Comment: Not observed at significant frequency in large population cohorts (gnomAD); In silico analysis supports that this missense variant has a deleterious effect on protein structure/function; Has not been previously published as pathogenic or benign to our knowledge